The following is an entry in ClinVar:

ClinVar aggregate classification (germline): Uncertain significance (1 of 4 stars; one submission).

Conditions:
Inborn genetic diseases. Identifiers: MedGen C0950123, MeSH D030342.

Submission:

Ambry Genetics
Classification: Uncertain significance for Inborn genetic diseases. Last evaluated: 2026-07-18. Review status: criteria provided, single submitter. Criteria: Ambry Variant Classification Scheme 2023. Collection method: clinical testing. Allele origin: germline.
Comment: The p.L310S variant (also known as c.929T>C), located in coding exon 8 of the FANCG gene, results from a T to C substitution at nucleotide position 929. The leucine at codon 310 is replaced by serine, an amino acid with dissimilar properties. This amino acid position is conserved. In addition, the in silico prediction for this alteration is inconclusive. Based on the available evidence, the clinical significance of this variant remains unclear.

NM_004629.2(FANCG):c.929T>C (p.Leu310Ser)

Gene: FANCG (FA complementation group G; minus strand). Cytogenetic location: 9p13.3.
Variant type: single nucleotide variant.
Coding change: c.929T>C on transcript NM_004629.2 (MANE Select); coding-DNA position 929, T replaced by C.
Protein change: p.Leu310Ser; replaces leucine 310 with serine.
Molecular consequence: missense variant.
Genome position (GRCh38, 1-based): chr9:35,076,579, A>G on the plus strand (T>C on the coding strand, the complement: FANCG is on the minus strand). VCF-style: chr9-35076579-A-G. GRCh37 (hg19) VCF-style: chr9-35076576-A-G.
Other names: short protein forms L310S.
Identifiers: ClinVar variation 5036510 (VCV005036510.1).